The following is an entry in ClinVar:

ClinVar aggregate classification (germline): Conflicting classifications of pathogenicity. Review status: criteria provided, conflicting classifications (1 of 4 stars). 3 submissions from 3 submitters: Likely pathogenic (1); Uncertain significance (2). Last evaluated 2025-08-15.

Conditions:
Hereditary cancer-predisposing syndrome. Also called: Hereditary neoplastic syndrome; Tumor predisposition; Neoplastic Syndromes, Hereditary; Hereditary Cancer Syndrome. Identifiers: Orphanet 140162, MedGen C0027672, MeSH D009386, MONDO:0015356.
Cardiovascular phenotype. Identifiers: MedGen CN230736.

gnomAD v4.1: 2 of 1,613,398 alleles (0.00012%); highest among the groups gnomAD compares: Non-Finnish European, 0.00017%; no homozygotes.

Submissions (3):

Ambry Genetics
Classification: Uncertain significance for Cardiovascular phenotype; Hereditary cancer-predisposing syndrome. Last evaluated: 2025-08-15. Review status: criteria provided, single submitter. Criteria: Ambry Variant Classification Scheme 2023. Collection method: clinical testing. Allele origin: germline.
Comment: The p.R755L variant (also known as c.2264G>T), located in coding exon 19 of the LZTR1 gene, results from a G to T substitution at nucleotide position 2264. The arginine at codon 755 is replaced by leucine, an amino acid with dissimilar properties. This amino acid position is highly conserved in available vertebrate species. In addition, this alteration is predicted to be deleterious by in silico analysis. Based on the available evidence, the clinical significance of this variant remains unclear.

Labcorp Genetics (formerly Invitae), Labcorp
Classification: Uncertain significance. Last evaluated: 2025-06-06. Review status: criteria provided, single submitter. Criteria: Invitae Variant Classification Sherloc (09022015). Collection method: clinical testing. Allele origin: germline.
Comment: This sequence change replaces arginine, which is basic and polar, with leucine, which is neutral and non-polar, at codon 755 of the LZTR1 protein (p.Arg755Leu). This variant is not present in population databases (gnomAD no frequency). This variant has not been reported in the literature in individuals affected with LZTR1-related conditions. ClinVar contains an entry for this variant (Variation ID: 1182641). Invitae Evidence Modeling of protein sequence and biophysical properties (such as structural, functional, and spatial information, amino acid conservation, physicochemical variation, residue mobility, and thermodynamic stability) indicates that this missense variant is not expected to disrupt LZTR1 protein function with a negative predictive value of 80%. In summary, the available evidence is currently insufficient to determine the role of this variant in disease. Therefore, it has been classified as a Variant of Uncertain Significance.

GeneDx
Classification: Likely pathogenic. Last evaluated: 2020-11-03. Review status: criteria provided, single submitter. Criteria: GeneDx Variant Classification Process June 2021. Collection method: clinical testing. Allele origin: germline. Affected: yes.
Comment: Not observed in large population cohorts (Lek et al., 2016); In silico analysis supports that this missense variant has a deleterious effect on protein structure/function; Has not been previously published as pathogenic or benign to our knowledge

NM_006767.4(LZTR1):c.2264G>T (p.Arg755Leu)

Gene: LZTR1 (leucine zipper like post translational regulator 1; plus strand). Cytogenetic location: 22q11.21.
Variant type: single nucleotide variant.
Coding change: c.2264G>T on transcript NM_006767.4 (MANE Select); coding-DNA position 2264, G replaced by T.
Protein change: p.Arg755Leu; replaces arginine 755 with leucine.
Molecular consequence: missense variant.
Genome position (GRCh38, 1-based): chr22:20,996,740, G>T. VCF-style: chr22-20996740-G-T. GRCh37 (hg19) VCF-style: chr22-21351029-G-T.
Other names: short protein forms R755L.
Identifiers: ClinVar variation 1182641 (VCV001182641.4), dbSNP rs762834512, ClinGen allele CA410780818.